The following is an entry in ClinVar:

ClinVar aggregate classification (germline): Uncertain significance. Review status: criteria provided, multiple submitters, no conflicts (2 of 4 stars). 5 submissions from 5 submitters: Uncertain significance (5). Last evaluated 2025-12-21.

Conditions:
Hereditary cancer-predisposing syndrome. Also called: Hereditary neoplastic syndrome; Neoplastic Syndromes, Hereditary; Hereditary Cancer Syndrome; Tumor predisposition. Identifiers: Orphanet 140162, MedGen C0027672, MeSH D009386, MONDO:0015356.

Allele frequency attached by ClinVar (database versions not stated): gnomAD exomes below 0.00001 and 0.00001; gnomAD 0.00002 and 0.00003; TOPMed 0.00002.
gnomAD v4.1: 12 of 1,613,254 alleles (0.00074%); highest among the groups gnomAD compares: East Asian, 0.0067%; no homozygotes.

Submissions (5):

Labcorp Genetics (formerly Invitae), Labcorp
Classification: Uncertain significance. Last evaluated: 2025-12-21. Review status: criteria provided, single submitter. Criteria: Invitae Variant Classification Sherloc (09022015). Collection method: clinical testing. Allele origin: germline.
Comment: This sequence change replaces alanine, which is neutral and non-polar, with valine, which is neutral and non-polar, at codon 788 of the POLE protein (p.Ala788Val). This variant is present in population databases (no rsID available, gnomAD 0.003%). This variant has not been reported in the literature in individuals affected with POLE-related conditions. ClinVar contains an entry for this variant (Variation ID: 405689). Invitae Evidence Modeling of protein sequence and biophysical properties (such as structural, functional, and spatial information, amino acid conservation, physicochemical variation, residue mobility, and thermodynamic stability) indicates that this missense variant is not expected to disrupt POLE protein function with a negative predictive value of 80%. In summary, the available evidence is currently insufficient to determine the role of this variant in disease. Therefore, it has been classified as a Variant of Uncertain Significance.

GeneDx
Classification: Uncertain significance. Last evaluated: 2025-06-22. Review status: criteria provided, single submitter. Criteria: GeneDx Variant Classification Process June 2021. Collection method: clinical testing. Allele origin: germline.
Comment: Not observed at significant frequency in large population cohorts (gnomAD); In silico analysis supports that this missense variant has a deleterious effect on protein structure/function; Identified in a patient with melanoma and family history of melanoma, colorectal cancer and gastric cancer (PMID: 34326862); This variant is associated with the following publications: (PMID: 20951805, 34326862)

Ambry Genetics
Classification: Uncertain significance for Hereditary cancer-predisposing syndrome. Last evaluated: 2025-03-18. Review status: criteria provided, single submitter. Criteria: Ambry Variant Classification Scheme 2023. Collection method: clinical testing. Allele origin: germline.
Comment: The p.A788V variant (also known as c.2363C>T), located in coding exon 21 of the POLE gene, results from a C to T substitution at nucleotide position 2363. The alanine at codon 788 is replaced by valine, an amino acid with similar properties. This amino acid position is highly conserved in available vertebrate species. In addition, this alteration is predicted to be tolerated by in silico analysis. Based on the available evidence, the clinical significance of this variant remains unclear.

Blueprint Genetics
Classification: Uncertain significance. Last evaluated: 2023-03-07. Review status: criteria provided, single submitter. Criteria: ACMG Guidelines, 2015. Collection method: clinical testing. Allele origin: germline.

Quest Diagnostics Nichols Institute San Juan Capistrano
Classification: Uncertain significance. Last evaluated: 2018-02-28. Review status: criteria provided, single submitter. Criteria: Quest Diagnostics criteria. Collection method: clinical testing. Allele origin: germline.

NM_006231.4(POLE):c.2363C>T (p.Ala788Val)

Gene: POLE (DNA polymerase epsilon, catalytic subunit; minus strand). Cytogenetic location: 12q24.33.
Variant type: single nucleotide variant.
Coding change: c.2363C>T on transcript NM_006231.4 (MANE Select); coding-DNA position 2363, C replaced by T.
Protein change: p.Ala788Val; replaces alanine 788 with valine.
Molecular consequence: missense variant.
Genome position (GRCh38, 1-based): chr12:132,665,407, G>A on the plus strand (C>T on the coding strand, the complement: POLE is on the minus strand). VCF-style: chr12-132665407-G-A. GRCh37 (hg19) VCF-style: chr12-133241993-G-A.
Other names: short protein forms A788V.
Identifiers: ClinVar variation 405689 (VCV000405689.16), dbSNP rs1060500813, ClinGen allele CA16613857.